The following is an entry in ClinVar:

NM_020922.5(WNK3):c.3282A>C (p.Glu1094Asp)

Gene: WNK3 (WNK lysine deficient protein kinase 3; minus strand). Cytogenetic location: Xp11.22.
Variant type: single nucleotide variant.
Coding change: c.3282A>C on transcript NM_020922.5 (MANE Select); coding-DNA position 3282, A replaced by C.
Protein change: p.Glu1094Asp; replaces glutamic acid 1094 with aspartic acid.
Molecular consequence: missense variant.
Genome position (GRCh38, 1-based): chrX:54,249,066, T>G on the plus strand (A>C on the coding strand, the complement: WNK3 is on the minus strand). VCF-style: chrX-54249066-T-G. GRCh37 (hg19) VCF-style: chrX-54275499-T-G.
Other names: c.3282A>C, p.Glu1094Asp (NM_001002838.4, NM_001395166.1); short protein forms E1094D.
Identifiers: ClinVar variation 5017337 (VCV005017337.1).

ClinVar aggregate classification (germline): Uncertain significance (1 of 4 stars; one submission).

Submission:

GeneDx
Classification: Uncertain significance. Last evaluated: 2026-03-25. Review status: criteria provided, single submitter. Criteria: GeneDx Variant Classification Process June 2021. Collection method: clinical testing. Allele origin: germline.
Comment: Not observed at significant frequency in large population cohorts (gnomAD); In silico analysis suggests that this missense variant does not alter protein structure/function; Has not been previously published as pathogenic or benign to our knowledge